The following is an entry in ClinVar:

ClinVar aggregate classification (germline): Uncertain significance (1 of 4 stars; one submission).

Submission:

Labcorp Genetics (formerly Invitae), Labcorp
Classification: Uncertain significance. Last evaluated: 2022-12-06. Review status: criteria provided, single submitter. Criteria: Invitae Variant Classification Sherloc (09022015). Collection method: clinical testing. Allele origin: germline.
Comment: This variant has not been reported in the literature in individuals affected with NDUFS1-related conditions. The frequency data for this variant in the population databases is considered unreliable, as metrics indicate poor data quality at this position in the gnomAD database. This sequence change replaces arginine, which is basic and polar, with lysine, which is basic and polar, at codon 417 of the NDUFS1 protein (p.Arg417Lys). Algorithms developed to predict the effect of missense changes on protein structure and function are either unavailable or do not agree on the potential impact of this missense change (SIFT: "Not Available"; PolyPhen-2: "Benign"; Align-GVGD: "Not Available"). In summary, the available evidence is currently insufficient to determine the role of this variant in disease. Therefore, it has been classified as a Variant of Uncertain Significance.

NM_005006.7(NDUFS1):c.1250_1251delinsAG (p.Arg417Lys)

Gene: NDUFS1 (NADH:ubiquinone oxidoreductase core subunit S1; minus strand). Cytogenetic location: 2q33.3.
Variant type: Indel.
Coding change: c.1250_1251delinsAG on transcript NM_005006.7 (MANE Select); coding-DNA positions 1250 to 1251, GA replaced by AG.
Protein change: p.Arg417Lys; replaces arginine 417 with lysine.
Molecular consequence: missense variant.
Genome position (GRCh38, 1-based): chr2:206,141,952-206,141,953, TC replaced by CT on the plus strand (GA replaced by AG on the coding strand, the reverse complement: NDUFS1 is on the minus strand). VCF-style: chr2-206141952-TC-CT. GRCh37 (hg19) VCF-style: chr2-207006676-TC-CT.
Other names: c.1142_1143delinsAG, p.Arg381Lys (NM_001199981.2); c.917_918delinsAG, p.Arg306Lys (NM_001199982.2); c.1079_1080delinsAG, p.Arg360Lys (NM_001199983.2); c.1292_1293delinsAG, p.Arg431Lys (NM_001199984.2); short protein forms R417K, R360K, R381K, R431K, R306K.
Identifiers: ClinVar variation 1959269 (VCV001959269.5), dbSNP rs2470046382, ClinGen allele CA2580065475.